The following is an entry in ClinVar:

ClinVar aggregate classification (germline): Uncertain significance (1 of 4 stars; one submission).

Conditions:
Hereditary cancer-predisposing syndrome. Also called: Neoplastic Syndromes, Hereditary; Tumor predisposition; Hereditary neoplastic syndrome; Hereditary Cancer Syndrome. Identifiers: Orphanet 140162, MedGen C0027672, MeSH D009386, MONDO:0015356.
Cardiovascular phenotype. Identifiers: MedGen CN230736.

Allele frequency attached by ClinVar (database versions not stated): gnomAD exomes below 0.00001.
gnomAD v4.1: 1 of 1,613,458 alleles (0.000062%); highest among the groups gnomAD compares: Non-Finnish European, 0.000085%; no homozygotes.

Submission:

Ambry Genetics
Classification: Uncertain significance for Cardiovascular phenotype; Hereditary cancer-predisposing syndrome. Last evaluated: 2023-05-14. Review status: criteria provided, single submitter. Criteria: Ambry Variant Classification Scheme 2023. Collection method: clinical testing. Allele origin: germline.
Comment: The p.L671R variant (also known as c.2012T>G), located in coding exon 17 of the LZTR1 gene, results from a T to G substitution at nucleotide position 2012. The leucine at codon 671 is replaced by arginine, an amino acid with dissimilar properties. This amino acid position is conserved. In addition, this alteration is predicted to be deleterious by in silico analysis. Since supporting evidence is limited at this time, the clinical significance of this alteration remains unclear.

NM_006767.4(LZTR1):c.2012T>G (p.Leu671Arg)

Gene: LZTR1 (leucine zipper like post translational regulator 1; plus strand). Cytogenetic location: 22q11.21.
Variant type: single nucleotide variant.
Coding change: c.2012T>G on transcript NM_006767.4 (MANE Select); coding-DNA position 2012, T replaced by G.
Protein change: p.Leu671Arg; replaces leucine 671 with arginine.
Molecular consequence: missense variant.
Genome position (GRCh38, 1-based): chr22:20,995,815, T>G. VCF-style: chr22-20995815-T-G. GRCh37 (hg19) VCF-style: chr22-21350104-T-G.
Other names: short protein forms L671R.
Identifiers: ClinVar variation 3238188 (VCV003238188.1), dbSNP rs762077546.
Genomic context (GRCh38, chr22:20,995,815, plus strand): 5'-TGATCCAGGACATGAAGGCATACCTGGAGGGAGCGGGCGCGGAATTCTGTGACATCACTC[T>G]GTTGCTTGACGGGCACCCACGGCCAGCCCACAAGGCTATCCTGGCCGCCCGCTCCAGGTG-3'
Protein context (NP_006758.2, residues 661-681): GAGAEFCDIT[Leu671Arg]LLDGHPRPAH